The following is an entry in ClinVar:

ClinVar aggregate classification (germline): Uncertain significance (1 of 4 stars; one submission).

Conditions:
Hereditary cancer-predisposing syndrome. Also called: Hereditary Cancer Syndrome; Tumor predisposition; Neoplastic Syndromes, Hereditary; Hereditary neoplastic syndrome. Identifiers: Orphanet 140162, MedGen C0027672, MeSH D009386, MONDO:0015356.

Submission:

Ambry Genetics
Classification: Uncertain significance for Hereditary cancer-predisposing syndrome. Last evaluated: 2026-02-09. Review status: criteria provided, single submitter. Criteria: Ambry Variant Classification Scheme 2023. Collection method: clinical testing. Allele origin: germline.
Comment: The c.531+4G>T intronic variant results from a G to T substitution 4 nucleotides after coding exon 4 in the CDH1 gene. This nucleotide position is not well conserved in available vertebrate species. In silico splice site analysis predicts that this alteration will not have any significant effect on splicing. Based on the available evidence, the clinical significance of this variant remains unclear.

NM_004360.5(CDH1):c.531+4G>T

Gene: CDH1 (cadherin 1; plus strand). Cytogenetic location: 16q22.1.
Variant type: single nucleotide variant.
Coding change: c.531+4G>T on transcript NM_004360.5 (MANE Select); 4 bases into the intron after coding-DNA position 531, G replaced by T.
Molecular consequence: intron variant.
Genome position (GRCh38, 1-based): chr16:68,808,571, G>T. VCF-style: chr16-68808571-G-T. GRCh37 (hg19) VCF-style: chr16-68842474-G-T.
Other names: c.-1085+4G>T (NM_001317185.2); c.-1289+4G>T (NM_001317186.2); c.531+4G>T (NM_001317184.2).
Identifiers: ClinVar variation 825636 (VCV000825636.5), dbSNP rs1172442868, ClinGen allele CA915949299.